The following is an entry in ClinVar:

ClinVar aggregate classification (germline): Conflicting classifications of pathogenicity. Review status: criteria provided, conflicting classifications (1 of 4 stars). 9 submissions from 9 submitters: Uncertain significance (8); Likely benign (1). Last evaluated 2026-02-26.

Conditions:
Cardiovascular phenotype. Identifiers: MedGen CN230736.
Arrhythmogenic right ventricular dysplasia 10. Also called: Arrhythmogenic Right Ventricular Dysplasia/Cardiomyopathy10; ARRHYTHMOGENIC RIGHT VENTRICULAR DYSPLASIA, FAMILIAL, 10; Arrhythmogenic right ventricular dysplasia/cardiomyopathy, type 10. Identifiers: MedGen C1857777, MONDO:0012434, OMIM 610193.
Dilated cardiomyopathy 1BB (CMD1BB). Also called: CARDIOMYOPATHY, DILATED, 1BB, SUSCEPTIBILITY TO. Identifiers: Orphanet 154, MedGen C2752072, MONDO:0013030, OMIM 612877.
Cardiomyopathy (CMYO). Also called: Cardiomyopathies. Identifiers: Orphanet 167848, MedGen C0878544, MONDO:0004994, HP:0001638. Inheritance: Various modes of inheritance.
Arrhythmogenic right ventricular cardiomyopathy (ARVD). Also called: Arrhythmogenic right ventricular dysplasia; Arrhythmogenic cardiomyopathy; Arrhythmogenic Right Ventricular Cardiomyopathy (ARVC); Cardiomyopathy, ARVC. Identifiers: Orphanet 247, MedGen C0349788, MeSH D019571, MONDO:0016587. Disease mechanism: loss of function. Inheritance: Various modes of inheritance.

Allele frequency attached by ClinVar (database versions not stated): gnomAD exomes 0.00002 and 0.00004; TOPMed 0.00003; gnomAD 0.00004; ExAC 0.00005.
gnomAD v4.1: 39 of 1,614,050 alleles (0.0024%); highest among the groups gnomAD compares: South Asian, 0.0077%; no homozygotes.

Submissions (9):

Ambry Genetics
Classification: Uncertain significance for Cardiovascular phenotype. Last evaluated: 2026-02-26. Review status: criteria provided, single submitter. Criteria: Ambry Variant Classification Scheme 2023. Collection method: clinical testing. Allele origin: germline.
Comment: The c.208A>G (p.I70V) alteration is located in exon 3 (coding exon 3) of the DSG2 gene. This alteration results from a A to G substitution at nucleotide position 208, causing the isoleucine (I) at amino acid position 70 to be replaced by a valine (V). Based on data from gnomAD, the G allele has an overall frequency of 0.004% (11/280880) total alleles studied. The highest observed frequency was 0.016% (5/30602) of South Asian alleles. Based on insufficient or conflicting evidence, the clinical significance of this alteration remains unclear.

Mayo Clinic Laboratories, Mayo Clinic
Classification: Uncertain significance. Last evaluated: 2025-09-26. Review status: criteria provided, single submitter. Criteria: ACMG Guidelines, 2015. Collection method: clinical testing. Allele origin: germline. Observed: 1 variant allele.
Comment: BP4_moderate

Labcorp Genetics (formerly Invitae), Labcorp
Classification: Uncertain significance for Arrhythmogenic right ventricular dysplasia 10. Last evaluated: 2024-09-29. Review status: criteria provided, single submitter. Criteria: Invitae Variant Classification Sherloc (09022015). Collection method: clinical testing. Allele origin: germline.
Comment: This sequence change replaces isoleucine, which is neutral and non-polar, with valine, which is neutral and non-polar, at codon 70 of the DSG2 protein (p.Ile70Val). This variant is present in population databases (rs769713919, gnomAD 0.02%). This missense change has been observed in individual(s) with clinical features of DSG2-related conditions (PMID: 22458570, 26656175). ClinVar contains an entry for this variant (Variation ID: 263501). Invitae Evidence Modeling of protein sequence and biophysical properties (such as structural, functional, and spatial information, amino acid conservation, physicochemical variation, residue mobility, and thermodynamic stability) indicates that this missense variant is not expected to disrupt DSG2 protein function with a negative predictive value of 95%. In summary, the available evidence is currently insufficient to determine the role of this variant in disease. Therefore, it has been classified as a Variant of Uncertain Significance.

Blueprint Genetics
Classification: Likely benign. Last evaluated: 2024-02-07. Review status: criteria provided, single submitter. Criteria: ACMG Guidelines, 2015. Collection method: clinical testing. Allele origin: germline.

All of Us Research Program, National Institutes of Health
Classification: Uncertain significance for Arrhythmogenic right ventricular cardiomyopathy. Last evaluated: 2024-02-05. Review status: criteria provided, single submitter. Criteria: ACMG Guidelines, 2015. Collection method: clinical testing. Allele origin: germline. Inheritance: Autosomal dominant inheritance. Observed: 11 variant alleles, 11 heterozygotes.
Comment: This missense variant replaces isoleucine with valine at codon 70 of the DSG2 protein. Computational prediction suggests that this variant may not impact protein structure and function (internally defined REVEL score threshold <= 0.5, PMID: 27666373). To our knowledge, functional studies have not been reported for this variant. This variant has been reported in an individual affected with arrhythmogenic right ventricular cardiomyopathy who also carried a pathogenic truncation variant in the PKP2 gene (PMID: 22458570). This variant has also been reported in an individual with hypertrophic cardiomyopathy (PMID: 26656175). This variant has been identified in 11/280880 chromosomes in the general population by the Genome Aggregation Database (gnomAD). The available evidence is insufficient to determine the role of this variant in disease conclusively. Therefore, this variant is classified as a Variant of Uncertain Significance.

This study involves interpretation of variants in research participants for the purpose of population health screening. Participant phenotype was not available at the time of variant classification. Additional details can be found in publication PMID: 35346344, PMCID: PMC8962531

Color Diagnostics, LLC DBA Color Health
Classification: Uncertain significance for Cardiomyopathy. Last evaluated: 2023-12-12. Review status: criteria provided, single submitter. Criteria: ACMG Guidelines, 2015. Collection method: clinical testing. Allele origin: germline.
Comment: This missense variant replaces isoleucine with valine at codon 70 of the DSG2 protein. Computational prediction suggests that this variant may not impact protein structure and function (internally defined REVEL score threshold <= 0.5, PMID: 27666373). To our knowledge, functional studies have not been reported for this variant. This variant has been reported in an individual affected with arrhythmogenic right ventricular cardiomyopathy who also carried a pathogenic truncation variant in the PKP2 gene (PMID: 22458570). This variant has also been reported in an individual with hypertrophic cardiomyopathy (PMID: 26656175). This variant has been identified in 11/280880 chromosomes in the general population by the Genome Aggregation Database (gnomAD). The available evidence is insufficient to determine the role of this variant in disease conclusively. Therefore, this variant is classified as a Variant of Uncertain Significance.

Fulgent Genetics
Classification: Uncertain significance for Arrhythmogenic right ventricular dysplasia 10; Dilated cardiomyopathy 1BB. Last evaluated: 2022-02-08. Review status: criteria provided, single submitter. Criteria: ACMG Guidelines, 2015. Collection method: clinical testing. Allele origin: unknown.

Laboratory for Molecular Medicine, Mass General Brigham Personalized Medicine
Classification: Uncertain significance. Last evaluated: 2016-03-28. Review status: criteria provided, single submitter. Criteria: LMM Criteria. Collection method: clinical testing. Allele origin: germline.
Comment: Variant identified in a genome or exome case(s) and assessed due to predicted null impact of the variant or pathogenic assertions in the literature or databases. Disclaimer: This variant has not undergone full assessment. The following are preliminary notes: Only report in individual who also carried truncating PKP2 variant; ExAC: 3/16510 South Asian chromosomes

GeneDx
Classification: Uncertain significance. Last evaluated: 2016-02-29. Review status: criteria provided, single submitter. Criteria: GeneDx Variant Classification (06012015). Collection method: clinical testing. Allele origin: germline. Affected: yes.
Comment: The I70V variant of uncertain significance has been reported previously in one individual with ARVC who alsoharbored a nonsense variant in the PKP2 gene (Rajkumar et al., 2012). The I70V variant wasnot observed in approximately 6,000 individuals of European and African American ancestry in the NHLBI ExomeSequencing Project, indicating it is not a common benign variant in these populations. Although the I70V variantoccurs at a position that is conserved across species, it is a conservative amino acid substitution, which is not likelyto impact secondary protein structure as these residues share similar properties. Consequently, in silico analysis isinconsistent in its predictions as to whether or not the variant is damaging to the protein structure/function.Therefore, based on the currently available information, it is unclear whether this variant is pathogenic or benign.

Literature cited by the submitters: PubMed 16505173 (cited by Mayo Clinic Laboratories, Mayo Clinic); PubMed 22458570 (cited by 4 submitters); PubMed 26656175 (cited by 4 submitters); PubMed 32682410 (cited by Mayo Clinic Laboratories, Mayo Clinic).

NM_001943.5(DSG2):c.208A>G (p.Ile70Val)

Gene: DSG2 (desmoglein 2; plus strand). Cytogenetic location: 18q12.1.
Variant type: single nucleotide variant.
Coding change: c.208A>G on transcript NM_001943.5 (MANE Select); coding-DNA position 208, A replaced by G.
Protein change: p.Ile70Val; replaces isoleucine 70 with valine.
Molecular consequence: missense variant.
Genome position (GRCh38, 1-based): chr18:31,519,929, A>G. VCF-style: chr18-31519929-A-G. GRCh37 (hg19) VCF-style: chr18-29099892-A-G.
Other names: short protein forms I70V.
Identifiers: ClinVar variation 263501 (VCV000263501.27), dbSNP rs769713919, ClinGen allele CA044833.